The following is an entry in ClinVar:

NM_032043.3(BRIP1):c.2791C>T (p.Pro931Ser)

Gene: BRIP1 (BRCA1 interacting DNA helicase 1; minus strand). Cytogenetic location: 17q23.2.
Variant type: single nucleotide variant.
Coding change: c.2791C>T on transcript NM_032043.3 (MANE Select); coding-DNA position 2791, C replaced by T.
Protein change: p.Pro931Ser; replaces proline 931 with serine.
Molecular consequence: missense variant.
Genome position (GRCh38, 1-based): chr17:61,685,950, G>A on the plus strand (C>T on the coding strand, the complement: BRIP1 is on the minus strand). VCF-style: chr17-61685950-G-A. GRCh37 (hg19) VCF-style: chr17-59763311-G-A.
Other names: short protein forms P931S.
Identifiers: ClinVar variation 580358 (VCV000580358.12), dbSNP rs745940032, ClinGen allele CA400481525.

ClinVar aggregate classification (germline): Conflicting classifications of pathogenicity. Review status: criteria provided, conflicting classifications (1 of 4 stars). 4 submissions from 4 submitters: Uncertain significance (3); Likely benign (1). Last evaluated 2024-10-16.

Conditions:
Hereditary cancer-predisposing syndrome. Also called: Hereditary neoplastic syndrome; Tumor predisposition; Hereditary Cancer Syndrome; Neoplastic Syndromes, Hereditary. Identifiers: Orphanet 140162, MedGen C0027672, MeSH D009386, MONDO:0015356.
Fanconi anemia complementation group J. Also called: BRIP1-Related Fanconi Anemia. Identifiers: Orphanet 84, MedGen C1836860, MONDO:0012187, OMIM 609054.
Familial cancer of breast. Also called: hereditary breast carcinoma; BREAST CANCER, FAMILIAL; Hereditary breast cancer. Identifiers: Orphanet 227535, MedGen C0346153, MONDO:0016419, OMIM 114480. Disease mechanism: loss of function.

Submissions (4):

Labcorp Genetics (formerly Invitae), Labcorp
Classification: Uncertain significance for Familial cancer of breast; Fanconi anemia complementation group J. Last evaluated: 2024-10-16. Review status: criteria provided, single submitter. Criteria: Invitae Variant Classification Sherloc (09022015). Collection method: clinical testing. Allele origin: germline.
Comment: This sequence change replaces proline, which is neutral and non-polar, with serine, which is neutral and polar, at codon 931 of the BRIP1 protein (p.Pro931Ser). This variant is not present in population databases (gnomAD no frequency). This variant has not been reported in the literature in individuals affected with BRIP1-related conditions. ClinVar contains an entry for this variant (Variation ID: 580358). Invitae Evidence Modeling of protein sequence and biophysical properties (such as structural, functional, and spatial information, amino acid conservation, physicochemical variation, residue mobility, and thermodynamic stability) indicates that this missense variant is not expected to disrupt BRIP1 protein function with a negative predictive value of 95%. In summary, the available evidence is currently insufficient to determine the role of this variant in disease. Therefore, it has been classified as a Variant of Uncertain Significance.

Color Diagnostics, LLC DBA Color Health
Classification: Likely benign for Hereditary cancer-predisposing syndrome. Last evaluated: 2024-09-23. Review status: criteria provided, single submitter. Criteria: ACMG Guidelines, 2015. Collection method: clinical testing. Allele origin: germline.

Baylor Genetics
Classification: Uncertain significance for Familial cancer of breast. Last evaluated: 2024-02-19. Review status: criteria provided, single submitter. Criteria: ACMG Guidelines, 2015. Collection method: clinical testing. Allele origin: unknown.

Ambry Genetics
Classification: Uncertain significance for Hereditary cancer-predisposing syndrome. Last evaluated: 2023-12-25. Review status: criteria provided, single submitter. Criteria: Ambry Variant Classification Scheme 2023. Collection method: clinical testing. Allele origin: germline.
Comment: The p.P931S variant (also known as c.2791C>T), located in coding exon 18 of the BRIP1 gene, results from a C to T substitution at nucleotide position 2791. The proline at codon 931 is replaced by serine, an amino acid with similar properties. This amino acid position is conserved. In addition, this alteration is predicted to be tolerated by in silico analysis. Since supporting evidence is limited at this time, the clinical significance of this alteration remains unclear.